The following is an entry in ClinVar:

NM_020632.3(ATP6V0A4):c.1187dup (p.Tyr396Ter)

Gene: ATP6V0A4 (ATPase H+ transporting V0 subunit a4; minus strand). Cytogenetic location: 7q34.
Variant type: Duplication.
Coding change: c.1187dup on transcript NM_020632.3 (MANE Select); coding-DNA position 1187, one base duplicated (A; older notation c.1187dupA).
Protein change: p.Tyr396Ter; replaces tyrosine 396 with a stop codon.
Molecular consequence: nonsense.
Genome position (GRCh38, 1-based): chr7:138,747,558, T duplicated on the plus strand (A on the coding strand, the reverse complement: ATP6V0A4 is on the minus strand). VCF-style (leftmost placement, unchanged base first): chr7-138747557-G-GT. GRCh37 (hg19) VCF-style: chr7-138432302-G-GT.
Other names: c.1187dup, p.Tyr396Ter (NM_130840.3, NM_130841.3); short protein forms Y396*.
Identifiers: ClinVar variation 2005279 (VCV002005279.5), dbSNP rs1806015333, ClinGen allele CA1746783356.
Genomic context (GRCh38, chr7:138,747,557, plus strand): 5'-GGTTCCATGACCACAGTCTCCAAACATCACAGCGAACAGGAAGGGGAAAGTGATGATGGT[G>GT]TAGGGGGCTGCGGAGGGGAGACACACAACGCCTGAGGCCTCAGCACAGCCTCGGGGCCCC-3'

ClinVar aggregate classification (germline): Pathogenic/Likely pathogenic. Review status: criteria provided, multiple submitters, no conflicts (2 of 4 stars). 2 submissions from 2 submitters: Pathogenic (1); Likely pathogenic (1). Last evaluated 2024-06-17.

Conditions:
Renal tubular acidosis, distal, 3, with or without sensorineural hearing loss (DRTA3). Identifiers: MedGen C5399980, MONDO:0011268, OMIM 602722.

Allele frequency attached by ClinVar (database versions not stated): gnomAD exomes below 0.00001; TOPMed below 0.00001.

Submissions (2):

Fulgent Genetics
Classification: Likely pathogenic for Renal tubular acidosis, distal, 3, with or without sensorineural hearing loss. Last evaluated: 2024-06-17. Review status: criteria provided, single submitter. Criteria: ACMG Guidelines, 2015. Collection method: clinical testing. Allele origin: germline.

Labcorp Genetics (formerly Invitae), Labcorp
Classification: Pathogenic. Last evaluated: 2022-08-22. Review status: criteria provided, single submitter. Criteria: Invitae Variant Classification Sherloc (09022015). Collection method: clinical testing. Allele origin: germline.
Comment: For these reasons, this variant has been classified as Pathogenic. Algorithms developed to predict the effect of sequence changes on RNA splicing suggest that this variant may create or strengthen a splice site. This variant has not been reported in the literature in individuals affected with ATP6V0A4-related conditions. This variant is not present in population databases (gnomAD no frequency). This sequence change creates a premature translational stop signal (p.Tyr396*) in the ATP6V0A4 gene. It is expected to result in an absent or disrupted protein product. Loss-of-function variants in ATP6V0A4 are known to be pathogenic (PMID: 12414817, 16611712).

Literature cited by the submitters: PubMed 12414817 (cited by Labcorp Genetics (formerly Invitae), Labcorp); PubMed 16611712 (cited by Labcorp Genetics (formerly Invitae), Labcorp).